The following is an entry in ClinVar:

NM_012330.4(KAT6B):c.4898A>C (p.Gln1633Pro)

Gene: KAT6B (lysine acetyltransferase 6B; plus strand). Cytogenetic location: 10q22.2.
Variant type: single nucleotide variant.
Coding change: c.4898A>C on transcript NM_012330.4 (MANE Select); coding-DNA position 4898, A replaced by C.
Protein change: p.Gln1633Pro; replaces glutamine 1633 with proline.
Molecular consequence: missense variant.
Genome position (GRCh38, 1-based): chr10:75,029,722, A>C. VCF-style: chr10-75029722-A-C. GRCh37 (hg19) VCF-style: chr10-76789480-A-C.
Other names: c.4349A>C, p.Gln1450Pro (NM_001256468.2, NM_001370138.1); c.4022A>C, p.Gln1341Pro (NM_001256469.2, NM_001370139.1, NM_001370140.1 and 2 more transcripts); c.3860A>C, p.Gln1287Pro (NM_001370132.1); c.3209A>C, p.Gln1070Pro (NM_001370133.1); c.2813A>C, p.Gln938Pro (NM_001370134.1); c.2555A>C, p.Gln852Pro (NM_001370135.1); c.4898A>C, p.Gln1633Pro (NM_001370136.1, NM_001370137.1); c.3833A>C, p.Gln1278Pro (NM_001370143.1, NM_001370144.1); short protein forms Q938P, Q1070P, Q1287P, Q1341P, Q852P, Q1278P, Q1450P, Q1633P.
Identifiers: ClinVar variation 2075835 (VCV002075835.4), dbSNP rs2549206886, ClinGen allele CA377298965.

ClinVar aggregate classification (germline): Uncertain significance (1 of 4 stars; one submission).

Conditions:
Genitopatellar syndrome (GTPTS). Also called: Genitopatellar syndrome (GPS); ABSENT PATELLAE, SCROTAL HYPOPLASIA, RENAL ANOMALIES, FACIAL DYSMORPHISM, AND MENTAL RETARDATION. Identifiers: Orphanet 85201, MedGen C1853566, MONDO:0011640, OMIM 606170.

Submission:

Labcorp Genetics (formerly Invitae), Labcorp
Classification: Uncertain significance for Genitopatellar syndrome. Last evaluated: 2022-01-05. Review status: criteria provided, single submitter. Criteria: Invitae Variant Classification Sherloc (09022015). Collection method: clinical testing. Allele origin: germline.
Comment: Algorithms developed to predict the effect of missense changes on protein structure and function are either unavailable or do not agree on the potential impact of this missense change (SIFT: "Tolerated"; PolyPhen-2: "Probably Damaging"; Align-GVGD: "Class C0"). In summary, the available evidence is currently insufficient to determine the role of this variant in disease. Therefore, it has been classified as a Variant of Uncertain Significance. This variant has not been reported in the literature in individuals affected with KAT6B-related conditions. This variant is not present in population databases (gnomAD no frequency). This sequence change replaces glutamine, which is neutral and polar, with proline, which is neutral and non-polar, at codon 1633 of the KAT6B protein (p.Gln1633Pro).